The following is an entry in ClinVar:

NM_015559.3(SETBP1):c.3914G>C (p.Gly1305Ala)

Gene: SETBP1 (SET binding protein 1; plus strand). Cytogenetic location: 18q12.3.
Variant type: single nucleotide variant.
Coding change: c.3914G>C on transcript NM_015559.3 (MANE Select); coding-DNA position 3914, G replaced by C.
Protein change: p.Gly1305Ala; replaces glycine 1305 with alanine.
Molecular consequence: missense variant.
Genome position (GRCh38, 1-based): chr18:44,953,254, G>C. VCF-style: chr18-44953254-G-C. GRCh37 (hg19) VCF-style: chr18-42533219-G-C.
Other names: c.3914G>C, p.Gly1305Ala (NM_001379141.1, NM_001379142.1, NM_001410862.1); short protein forms G1305A.
Identifiers: ClinVar variation 4706484 (VCV004706484.1).
Genomic context (GRCh38, chr18:44,953,254, plus strand): 5'-ACCCTTCGAATGACAAGTGGGACAGTGACGTGAGTGGGAGTAAAAGGAGGAGCTATGAAG[G>C]CTTTGGAACGTACAGGGAAAAGGACATCCAAGCCTTCAAGATGAACCGCAAGGAGAGAAG-3'
Protein context (NP_056374.2, residues 1295-1315): VSGSKRRSYE[Gly1305Ala]FGTYREKDIQ

ClinVar aggregate classification (germline): Uncertain significance (1 of 4 stars; one submission).

gnomAD v4.1: 1 of 1,614,136 alleles (0.000062%); highest among the groups gnomAD compares: Non-Finnish European, 0.000085%; no homozygotes.

Submission:

Labcorp Genetics (formerly Invitae), Labcorp
Classification: Uncertain significance. Last evaluated: 2025-02-27. Review status: criteria provided, single submitter. Criteria: Invitae Variant Classification Sherloc (09022015). Collection method: clinical testing. Allele origin: germline.
Comment: This sequence change replaces glycine, which is neutral and non-polar, with alanine, which is neutral and non-polar, at codon 1305 of the SETBP1 protein (p.Gly1305Ala). This variant is not present in population databases (gnomAD no frequency). This variant has not been reported in the literature in individuals affected with SETBP1-related conditions. Invitae Evidence Modeling of protein sequence and biophysical properties (such as structural, functional, and spatial information, amino acid conservation, physicochemical variation, residue mobility, and thermodynamic stability) indicates that this missense variant is not expected to disrupt SETBP1 protein function with a negative predictive value of 80%. In summary, the available evidence is currently insufficient to determine the role of this variant in disease. Therefore, it has been classified as a Variant of Uncertain Significance.